The following is an entry in ClinVar:

NM_006494.4(ERF):c.258-2A>G

Gene: ERF (ETS2 repressor factor; minus strand). Cytogenetic location: 19q13.2.
Variant type: single nucleotide variant.
Coding change: c.258-2A>G on transcript NM_006494.4 (MANE Select); the canonical splice acceptor site of the intron before coding-DNA position 258, A replaced by G.
Molecular consequence: splice acceptor variant.
Genome position (GRCh38, 1-based): chr19:42,249,944, T>C on the plus strand (A>G on the coding strand, the complement: ERF is on the minus strand). VCF-style: chr19-42249944-T-C. GRCh37 (hg19) VCF-style: chr19-42754096-T-C.
Other names: c.33-2A>G (NM_001312656.2, NM_001301035.2, NM_001308402.2 and 1 more transcripts); c.-550-2A>G (NM_001440421.1).
Identifiers: ClinVar variation 4849235 (VCV004849235.1).

ClinVar aggregate classification (germline): Likely pathogenic (1 of 4 stars; one submission).

Conditions:
Craniosynostosis 4 (CRS4). Identifiers: MedGen C3806917, MONDO:0010929, OMIM 600775.

Submission:

Division of Genetic & Genomic Pathology, Hong Kong Children's Hospital
Classification: Likely pathogenic for Craniosynostosis 4. Last evaluated: 2024-11-28. Review status: criteria provided, single submitter. Criteria: ACMG Guidelines, 2015. Collection method: clinical testing. Allele origin: germline. Affected: yes.
Comment: ERF c.258-2A>G affects the canonical splice acceptor site in intron 2 (out of 3 introns). It is expected to disrupt RNA splicing and is predicted to result in loss of protein function by nonsense-mediated mRNA decay. The variant is absent from the control populations (gnomAD v2.1.1 and v4.1.0). It has not been reported in Human Gene Mutation Database (HGMD, v2024.4) or ClinVar. Since haploinsufficiency of ERF is the disease mechanism for ERF-related craniosynostosis, the variant is classified as likely pathogenic.